The following is an entry in ClinVar:

NM_000038.6(APC):c.3548A>G (p.Tyr1183Cys)

Gene: APC (APC regulator of Wnt signaling pathway; plus strand). Cytogenetic location: 5q22.2.
Variant type: single nucleotide variant.
Coding change: c.3548A>G on transcript NM_000038.6 (MANE Select); coding-DNA position 3548, A replaced by G.
Protein change: p.Tyr1183Cys; replaces tyrosine 1183 with cysteine.
Molecular consequence: missense variant.
Genome position (GRCh38, 1-based): chr5:112,839,142, A>G. VCF-style: chr5-112839142-A-G. GRCh37 (hg19) VCF-style: chr5-112174839-A-G.
Other names: c.3548A>G, p.Tyr1183Cys (NM_001127510.3, NM_001354895.2); c.3494A>G, p.Tyr1165Cys (NM_001127511.3); c.3602A>G, p.Tyr1201Cys (NM_001354896.2); c.3578A>G, p.Tyr1193Cys (NM_001354897.2); c.3473A>G, p.Tyr1158Cys (NM_001354898.2); c.3464A>G, p.Tyr1155Cys (NM_001354899.2); c.3425A>G, p.Tyr1142Cys (NM_001354900.2); c.3371A>G, p.Tyr1124Cys (NM_001354901.2); and 5 more; short protein forms Y1165C, Y1183C, Y1057C, Y1082C, Y1092C, Y1193C, Y1023C, Y1124C.
Identifiers: ClinVar variation 142745 (VCV000142745.19), dbSNP rs587782689, ClinGen allele CA008490.

ClinVar aggregate classification (germline): Uncertain significance. Review status: criteria provided, multiple submitters, no conflicts (2 of 4 stars). 4 submissions from 4 submitters: Uncertain significance (4). Last evaluated 2025-12-21.

Conditions:
Classic or attenuated familial adenomatous polyposis. Identifiers: MedGen CN372698, MONDO:0021057.
Hereditary cancer-predisposing syndrome. Also called: Hereditary Cancer Syndrome; Neoplastic Syndromes, Hereditary; Hereditary neoplastic syndrome; Tumor predisposition. Identifiers: Orphanet 140162, MedGen C0027672, MeSH D009386, MONDO:0015356.
Familial adenomatous polyposis 1 (FAP1). Also called: FAMILIAL ADENOMATOUS POLYPOSIS 1, ATTENUATED; POLYPOSIS, ADENOMATOUS INTESTINAL. Identifiers: MedGen C2713442, MONDO:0021056, OMIM 175100. Disease mechanism: loss of function.

Allele frequency attached by ClinVar (database versions not stated): gnomAD exomes below 0.00001; ExAC 0.00001.
gnomAD v4.1: 1 of 1,614,140 alleles (0.000062%); highest among the groups gnomAD compares: Non-Finnish European, 0.000085%; no homozygotes.

Submissions (4):

Labcorp Genetics (formerly Invitae), Labcorp
Classification: Uncertain significance for Familial adenomatous polyposis 1. Last evaluated: 2025-12-21. Review status: criteria provided, single submitter. Criteria: Invitae Variant Classification Sherloc (09022015). Collection method: clinical testing. Allele origin: germline.
Comment: This sequence change replaces tyrosine, which is neutral and polar, with cysteine, which is neutral and slightly polar, at codon 1183 of the APC protein (p.Tyr1183Cys). This variant is present in population databases (rs587782689, gnomAD 0.0009%). This variant has not been reported in the literature in individuals affected with APC-related conditions. ClinVar contains an entry for this variant (Variation ID: 142745). Invitae Evidence Modeling of protein sequence and biophysical properties (such as structural, functional, and spatial information, amino acid conservation, physicochemical variation, residue mobility, and thermodynamic stability) has been performed for this missense variant. However, the output from this modeling did not meet the statistical confidence thresholds required to predict the impact of this variant on APC protein function. In summary, the available evidence is currently insufficient to determine the role of this variant in disease. Therefore, it has been classified as a Variant of Uncertain Significance.

Ambry Genetics
Classification: Uncertain significance for Hereditary cancer-predisposing syndrome. Last evaluated: 2025-09-19. Review status: criteria provided, single submitter. Criteria: Ambry Variant Classification Scheme 2023. Collection method: clinical testing. Allele origin: germline.
Comment: The p.Y1183C variant (also known as c.3548A>G), located in coding exon 15 of the APC gene, results from an A to G substitution at nucleotide position 3548. The tyrosine at codon 1183 is replaced by cysteine, an amino acid with highly dissimilar properties. This amino acid position is highly conserved in available vertebrate species. In addition, in silico predictors for this gene do not accurately predict pathogenicity. Since supporting evidence is limited at this time, the clinical significance of this alteration remains unclear.

All of Us Research Program, National Institutes of Health
Classification: Uncertain significance for Classic or attenuated familial adenomatous polyposis. Last evaluated: 2023-08-15. Review status: criteria provided, single submitter. Criteria: ACMG Guidelines, 2015. Collection method: clinical testing. Allele origin: germline. Inheritance: Autosomal dominant inheritance. Observed: 1 variant allele, 1 heterozygote.
Comment: This study involves interpretation of variants in research participants for the purpose of population health screening. Participant phenotype was not available at the time of variant classification. Additional details can be found in publication PMID: 35346344, PMCID: PMC8962531

Color Diagnostics, LLC DBA Color Health
Classification: Uncertain significance for Hereditary cancer-predisposing syndrome. Last evaluated: 2019-03-28. Review status: criteria provided, single submitter. Criteria: ACMG Guidelines, 2015. Collection method: clinical testing. Allele origin: germline.